The following is an entry in ClinVar:

ClinVar aggregate classification (germline): Benign (1 of 4 stars; one submission).

Conditions:
Immunodeficiency 27A (IMD27A). Also called: IMMUNODEFICIENCY 27A, MYCOBACTERIOSIS, AUTOSOMAL RECESSIVE; IFNGR1 DEFICIENCY, AUTOSOMAL RECESSIVE. Identifiers: Orphanet 319569, Orphanet 99898, MedGen C4011949, MONDO:0008856, OMIM 209950.

Allele frequency attached by ClinVar (database versions not stated): 1000 Genomes Project 0.03634; 1000 Genomes Project 30x 0.03701; TOPMed 0.04838; gnomAD 0.05060.

Submission:

Illumina Laboratory Services, Illumina
Classification: Benign for Immunodeficiency 27A. Last evaluated: 2018-01-12. Review status: criteria provided, single submitter. Criteria: ICSL Variant Classification Criteria 13 December 2019. Collection method: clinical testing. Allele origin: germline.
Comment: This variant was observed in the ICSL laboratory as part of a predisposition screen in an ostensibly healthy population. It had not been previously curated by ICSL or reported in the Human Gene Mutation Database (HGMD: prior to June 1st, 2018), and was therefore a candidate for classification through an automated scoring system. Utilizing variant allele frequency, disease prevalence and penetrance estimates, and inheritance mode, an automated score was calculated to assess if this variant is too frequent to cause the disease. Based on the score and internal cut-off values, a variant classified as benign is not then subjected to further curation. The score for this variant resulted in a classification of benign for this disease.

NM_000416.2(IFNGR1):c.-72C>T

Gene: IFNGR1 (interferon gamma receptor 1; minus strand). Cytogenetic location: 6q23.3.
Variant type: single nucleotide variant.
Coding change: c.-72C>T on transcript NM_000416.2; 72 bases upstream of the start codon, C replaced by T.
Genome position (GRCh38, 1-based): chr6:137,219,399, G>A on the plus strand (C>T on the coding strand, the complement: IFNGR1 is on the minus strand). VCF-style: chr6-137219399-G-A. GRCh37 (hg19) VCF-style: chr6-137540536-G-A.
Identifiers: ClinVar variation 355566 (VCV000355566.7), dbSNP rs17181457, ClinGen allele CA10623063.